The following is an entry in ClinVar:

NM_000059.4(BRCA2):c.9730_9731del (p.Val3244fs)

Gene: BRCA2 (BRCA2 DNA repair associated; plus strand). Cytogenetic location: 13q13.1.
Variant type: Deletion.
Coding change: c.9730_9731del on transcript NM_000059.4 (MANE Select); coding-DNA positions 9730 to 9731, 2 bases deleted (GT; older notation c.9730_9731delGT).
Protein change: p.Val3244fs; shifts the reading frame from valine 3244.
Molecular consequence: frameshift variant. On other transcripts: non-coding transcript variant (1).
Genome position (GRCh38, 1-based): chr13:32,398,243-32,398,244, GT deleted; deleting any 2 consecutive bases within chr13:32,398,242-32,398,244 gives the same sequence; the c. name uses the placement nearest the transcript's 3' end. VCF-style (leftmost placement, unchanged base first): chr13-32398241-CTG-C. GRCh37 (hg19) VCF-style: chr13-32972378-CTG-C.
Other names: c.9634_9635del, p.Val3212fs (NM_001406719.1); c.9679_9680del, p.Val3227fs (NM_001406720.1); c.4798_4799del, p.Val1600fs (NM_001406721.1); c.3313_3314del, p.Val1105fs (NM_001406722.1); short protein forms V1105fs, V1600fs, V3212fs, V3227fs, V3244fs.
Identifiers: ClinVar variation 2579115 (VCV002579115.4), dbSNP rs2548564737, ClinGen allele CA2580617976.

ClinVar aggregate classification (germline): Pathogenic/Likely pathogenic. Review status: criteria provided, multiple submitters, no conflicts (2 of 4 stars). 2 submissions from 2 submitters: Pathogenic (1); Likely pathogenic (1). Last evaluated 2024-07-25.

Conditions:
Hereditary cancer-predisposing syndrome. Also called: Neoplastic Syndromes, Hereditary; Hereditary Cancer Syndrome; Tumor predisposition; Hereditary neoplastic syndrome. Identifiers: Orphanet 140162, MedGen C0027672, MeSH D009386, MONDO:0015356.
Breast-ovarian cancer, familial, susceptibility to, 2 (BROVCA2). Also called: BRCA2 Hereditary Breast and Ovarian Cancer. Identifiers: Orphanet 145, MedGen C2675520, MONDO:0012933, OMIM 612555. Disease mechanism: loss of function.

Submissions (2):

Ambry Genetics
Classification: Pathogenic for Hereditary cancer-predisposing syndrome. Last evaluated: 2024-07-25. Review status: criteria provided, single submitter. Criteria: Ambry Variant Classification Scheme 2023. Collection method: clinical testing. Allele origin: germline.
Comment: The c.9730_9731delGT pathogenic mutation, located in coding exon 26 of the BRCA2 gene, results from a deletion of two nucleotides at nucleotide positions 9730 to 9731, causing a translational frameshift with a predicted alternate stop codon (p.V3244Lfs*10). This alteration occurs at the 3' terminus of theBRCA2 gene, is not expected to trigger nonsense-mediated mRNA decay, and only impacts the last 5.1% of the protein. However, premature stop codons are typically deleterious in nature and a significant portion of the protein is affected and the impacted region is critical for protein function (Ambry internal data). This variant is considered to be rare based on population cohorts in the Genome Aggregation Database (gnomAD). Based on the supporting evidence, this variant is interpreted as a disease-causing mutation.

Molecular Genetics and NGS Laboratory, Hospital Fundacion Valle Del Lili
Classification: Likely pathogenic for Breast-ovarian cancer, familial, susceptibility to, 2. Last evaluated: 2023-09-08. Review status: criteria provided, single submitter. Criteria: ACMG Guidelines, 2015. Collection method: clinical testing. Allele origin: germline. Inheritance: Autosomal dominant inheritance. Affected: yes. Observed: 1 variant allele, 1 heterozygote.